The following is an entry in ClinVar:

ClinVar aggregate classification (germline): Uncertain significance. Review status: criteria provided, multiple submitters, no conflicts (2 of 4 stars). 2 submissions from 2 submitters: Uncertain significance (2). Last evaluated 2023-12-15.

Conditions:
Congenital heart defects, multiple types, 2 (CHTD2). Also called: Congenital heart defects, nonsyndromic, 2. Identifiers: Orphanet 664401, MedGen C3554279, MONDO:0014000, OMIM 614980.

Allele frequency attached by ClinVar (database versions not stated): ExAC 0.00001; gnomAD exomes 0.00002; TOPMed 0.00003; gnomAD 0.00005; ESP Exome Variant Server 0.00008.
gnomAD v4.1: 30 of 1,613,962 alleles (0.0019%); highest among the groups gnomAD compares: Non-Finnish European, 0.0025%; no homozygotes.

Submissions (2):

Labcorp Genetics (formerly Invitae), Labcorp
Classification: Uncertain significance. Last evaluated: 2023-12-15. Review status: criteria provided, single submitter. Criteria: Invitae Variant Classification Sherloc (09022015). Collection method: clinical testing. Allele origin: germline.
Comment: This sequence change replaces serine, which is neutral and polar, with phenylalanine, which is neutral and non-polar, at codon 527 of the TAB2 protein (p.Ser527Phe). This variant is present in population databases (rs371381823, gnomAD 0.002%). This variant has not been reported in the literature in individuals affected with TAB2-related conditions. ClinVar contains an entry for this variant (Variation ID: 2436925). Advanced modeling of protein sequence and biophysical properties (such as structural, functional, and spatial information, amino acid conservation, physicochemical variation, residue mobility, and thermodynamic stability) performed at Invitae indicates that this missense variant is not expected to disrupt TAB2 protein function with a negative predictive value of 80%. In summary, the available evidence is currently insufficient to determine the role of this variant in disease. Therefore, it has been classified as a Variant of Uncertain Significance.

Revvity Omics, Revvity
Classification: Uncertain significance for Congenital heart defects, multiple types, 2. Last evaluated: 2022-08-19. Review status: criteria provided, single submitter. Criteria: ACMG Guidelines, 2015. Collection method: clinical testing. Allele origin: germline.

NM_001292034.3(TAB2):c.1580C>T (p.Ser527Phe)

Genes: TAB2 (TGF-beta activated kinase 1 (MAP3K7) binding protein 2; plus strand), LOC126859827 (BRD4-independent group 4 enhancer GRCh37_chr6:149699707-149700906; plus strand). Cytogenetic location: 6q25.1.
Variant type: single nucleotide variant.
Coding change: c.1580C>T on transcript NM_001292034.3 (MANE Select); coding-DNA position 1580, C replaced by T.
Protein change: p.Ser527Phe; replaces serine 527 with phenylalanine.
Molecular consequence: missense variant.
Genome position (GRCh38, 1-based): chr6:149,379,495, C>T. VCF-style: chr6-149379495-C-T. GRCh37 (hg19) VCF-style: chr6-149700631-C-T.
Other names: c.1484C>T, p.Ser495Phe (NM_001292035.3); c.1580C>T, p.Ser527Phe (NM_001369506.1, NM_015093.6); short protein forms S495F, S527F.
Identifiers: ClinVar variation 2436925 (VCV002436925.6), dbSNP rs371381823, ClinGen allele CA4041573.